The following is an entry in ClinVar:

ClinVar aggregate classification (germline): Uncertain significance. Review status: criteria provided, multiple submitters, no conflicts (2 of 4 stars). 5 submissions from 5 submitters: Uncertain significance (5). Last evaluated 2024-10-31.

Conditions:
Developmental and epileptic encephalopathy, 42 (DEE42A). Also called: Epileptic encephalopathy, early infantile, 42; DEVELOPMENTAL AND EPILEPTIC ENCEPHALOPATHY 42A; EPILEPTIC ENCEPHALOPATHY, EARLY INFANTILE, 42A. Identifiers: MedGen C4310716, MONDO:0014917, OMIM 617106.
Episodic ataxia type 2 (EA2). Also called: CEREBELLAR ATAXIA, PAROXYSMAL, ACETAZOLAMIDE-RESPONSIVE; CEREBELLOPATHY, HEREDITARY PAROXYSMAL; ACETAZOLAMIDE-RESPONSIVE HEREDITARY PAROXYSMAL CEREBELLAR ATAXIA; ATAXIA, EPISODIC, WITH NYSTAGMUS; ATAXIA, FAMILIAL PAROXYSMAL; EPISODIC ATAXIA, NYSTAGMUS-ASSOCIATED. Identifiers: Orphanet 97, MedGen C1720416, MONDO:0007163, OMIM 108500.

Allele frequency attached by ClinVar (database versions not stated): gnomAD exomes below 0.00001; gnomAD 0.00001; TOPMed 0.00001.
gnomAD v4.1: 3 of 1,495,550 alleles (0.0002%); highest among the groups gnomAD compares: Non-Finnish European, 0.00027%; no homozygotes.

Submissions (5):

GeneDx
Classification: Uncertain significance. Last evaluated: 2024-10-31. Review status: criteria provided, single submitter. Criteria: GeneDx Variant Classification Process June 2021. Collection method: clinical testing. Allele origin: germline. Affected: yes.
Comment: Not observed at significant frequency in large population cohorts (gnomAD); In silico analysis supports that this missense variant has a deleterious effect on protein structure/function; Has not been previously published as pathogenic or benign to our knowledge

Women's Health and Genetics/Laboratory Corporation of America, LabCorp
Classification: Uncertain significance. Last evaluated: 2024-10-09. Review status: criteria provided, single submitter. Criteria: LabCorp Variant Classification Summary - May 2015. Collection method: clinical testing. Allele origin: germline.
Comment: Variant summary: CACNA1A c.26C>T (p.Pro9Leu) results in a non-conservative amino acid change in the encoded protein sequence. Four of five in-silico tools predict a damaging effect of the variant on protein function. The variant was absent in 96220 control chromosomes. The available data on variant occurrences in the general population are insufficient to allow any conclusion about variant significance. To our knowledge, no occurrence of c.26C>T in individuals affected with Epileptic Encephalopathy, Early Infantile, 42 and no experimental evidence demonstrating its impact on protein function have been reported. ClinVar contains an entry for this variant (Variation ID: 1488236). Based on the evidence outlined above, the variant was classified as uncertain significance.

Blueprint Genetics
Classification: Uncertain significance. Last evaluated: 2024-01-15. Review status: criteria provided, single submitter. Criteria: ACMG Guidelines, 2015. Collection method: clinical testing. Allele origin: germline.

Labcorp Genetics (formerly Invitae), Labcorp
Classification: Uncertain significance for Developmental and epileptic encephalopathy, 42; Episodic ataxia type 2. Last evaluated: 2022-04-04. Review status: criteria provided, single submitter. Criteria: Invitae Variant Classification Sherloc (09022015). Collection method: clinical testing. Allele origin: germline.
Comment: In summary, the available evidence is currently insufficient to determine the role of this variant in disease. Therefore, it has been classified as a Variant of Uncertain Significance. This variant has not been reported in the literature in individuals affected with CACNA1A-related conditions. Advanced modeling of protein sequence and biophysical properties (such as structural, functional, and spatial information, amino acid conservation, physicochemical variation, residue mobility, and thermodynamic stability) performed at Invitae indicates that this missense variant is not expected to disrupt CACNA1A protein function. This variant is not present in population databases (gnomAD no frequency). This sequence change replaces proline, which is neutral and non-polar, with leucine, which is neutral and non-polar, at codon 9 of the CACNA1A protein (p.Pro9Leu).

CeGaT Center for Human Genetics Tuebingen
Classification: Uncertain significance. Last evaluated: 2022-02-01. Review status: criteria provided, single submitter. Criteria: CeGaT Center For Human Genetics Tuebingen Variant Classification Criteria Version 2. Collection method: clinical testing. Allele origin: germline. Affected: yes. Observed: 1 variant allele.

NM_001127222.2(CACNA1A):c.26C>T (p.Pro9Leu)

Gene: CACNA1A (calcium voltage-gated channel subunit alpha1 A; minus strand). Cytogenetic location: 19p13.13.
Variant type: single nucleotide variant.
Coding change: c.26C>T on transcript NM_001127222.2 (MANE Select); coding-DNA position 26, C replaced by T.
Protein change: p.Pro9Leu; replaces proline 9 with leucine.
Molecular consequence: missense variant.
Genome position (GRCh38, 1-based): chr19:13,506,199, G>A on the plus strand (C>T on the coding strand, the complement: CACNA1A is on the minus strand). VCF-style: chr19-13506199-G-A. GRCh37 (hg19) VCF-style: chr19-13617013-G-A.
Other names: c.26C>T (NM_001127221.1); c.26C>T, p.Pro9Leu (NM_000068.4, NM_001127221.2, NM_001174080.2 and 1 more transcripts); short protein forms P9L.
Identifiers: ClinVar variation 1488236 (VCV001488236.43), dbSNP rs1487101039, ClinGen allele CA404971351.